The following is an entry in ClinVar:

NM_024408.4(NOTCH2):c.3499T>G (p.Phe1167Val)

Gene: NOTCH2 (notch receptor 2; minus strand). Cytogenetic location: 1p12.
Variant type: single nucleotide variant.
Coding change: c.3499T>G on transcript NM_024408.4 (MANE Select); coding-DNA position 3499, T replaced by G.
Protein change: p.Phe1167Val; replaces phenylalanine 1167 with valine.
Molecular consequence: missense variant.
Genome position (GRCh38, 1-based): chr1:119,937,305, A>C on the plus strand (T>G on the coding strand, the complement: NOTCH2 is on the minus strand). VCF-style: chr1-119937305-A-C. GRCh37 (hg19) VCF-style: chr1-120479928-A-C.
Other names: c.3499T>G, p.Phe1167Val (NM_001200001.2); short protein forms F1167V.
Identifiers: ClinVar variation 2200402 (VCV002200402.4), dbSNP rs972812498, ClinGen allele CA30280297.
Genomic context (GRCh38, chr1:119,937,305, plus strand): 5'-GGGAGGTCCATGACCTCTGCTTGCTCAGTGTCCTCACCTCGCATCTGTATCCACCAATGA[A>C]GTCACTGCATGTTGCCCCGTGCTGGCAGGGGTTGGACGCACACTCATCGAGTTGCTCCTC-3'
Protein context (NP_077719.2, residues 1157-1177): PCQHGATCSD[Phe1167Val]IGGYRCECVP

ClinVar aggregate classification (germline): Uncertain significance (1 of 4 stars; one submission).

Conditions:
Hajdu-Cheney syndrome (HJCYS). Also called: ACROOSTEOLYSIS WITH OSTEOPOROSIS AND CHANGES IN SKULL AND MANDIBLE; Acroosteolysis dominant type; SERPENTINE FIBULA-POLYCYSTIC KIDNEY SYNDROME. Identifiers: Orphanet 955, MedGen C0917715, MONDO:0007057, OMIM 102500.

Allele frequency attached by ClinVar (database versions not stated): TOPMed below 0.00001.

Submission:

Labcorp Genetics (formerly Invitae), Labcorp
Classification: Uncertain significance for Hajdu-Cheney syndrome. Last evaluated: 2022-04-07. Review status: criteria provided, single submitter. Criteria: Invitae Variant Classification Sherloc (09022015). Collection method: clinical testing. Allele origin: germline.
Comment: In summary, the available evidence is currently insufficient to determine the role of this variant in disease. Therefore, it has been classified as a Variant of Uncertain Significance. This sequence change replaces phenylalanine, which is neutral and non-polar, with valine, which is neutral and non-polar, at codon 1167 of the NOTCH2 protein (p.Phe1167Val). This variant is present in population databases (no rsID available, gnomAD 0.009%). This variant has not been reported in the literature in individuals affected with NOTCH2-related conditions. Advanced modeling of protein sequence and biophysical properties (such as structural, functional, and spatial information, amino acid conservation, physicochemical variation, residue mobility, and thermodynamic stability) performed at Invitae indicates that this missense variant is not expected to disrupt NOTCH2 protein function.